The following is an entry in ClinVar:

NM_000059.4(BRCA2):c.2050C>T (p.Gln684Ter)

Gene: BRCA2 (BRCA2 DNA repair associated; plus strand). Cytogenetic location: 13q13.1.
Variant type: single nucleotide variant.
Coding change: c.2050C>T on transcript NM_000059.4 (MANE Select); coding-DNA position 2050, C replaced by T.
Protein change: p.Gln684Ter; replaces glutamine 684 with a stop codon.
Molecular consequence: nonsense. On other transcripts: non-coding transcript variant (1), intron variant (2).
Genome position (GRCh38, 1-based): chr13:32,336,405, C>T. VCF-style: chr13-32336405-C-T. GRCh37 (hg19) VCF-style: chr13-32910542-C-T.
Other names: c.1909+3018C>T (NM_001406721.1); c.424+5375C>T (NM_001406722.1); c.2050C>T, p.Gln684Ter (NM_001406719.1, NM_001406720.1); short protein forms Q684*.
Identifiers: ClinVar variation 2584930 (VCV002584930.4), dbSNP rs2072449598, ClinGen allele CA387768967.

ClinVar aggregate classification (germline): Pathogenic/Likely pathogenic. Review status: criteria provided, multiple submitters, no conflicts (2 of 4 stars). 2 submissions from 2 submitters: Pathogenic (1); Likely pathogenic (1). Last evaluated 2023-01-24.

Conditions:
Hereditary breast ovarian cancer syndrome. Also called: Hereditary breast and/or ovarian cancer syndrome; Hereditary breast and ovarian cancer; Hereditary breast and ovarian cancer syndrome; Hereditary breast and ovarian cancer syndrome (HBOC); Breast and ovarian cancer; BRCA1- and BRCA2-Associated Hereditary Breast and Ovarian Cancer. Identifiers: Orphanet 145, MedGen C0677776, MeSH D061325, MONDO:0003582. Disease mechanism: loss of function.
Breast-ovarian cancer, familial, susceptibility to, 2 (BROVCA2). Also called: BRCA2 Hereditary Breast and Ovarian Cancer. Identifiers: Orphanet 145, MedGen C2675520, MONDO:0012933, OMIM 612555. Disease mechanism: loss of function.

Submissions (2):

Labcorp Genetics (formerly Invitae), Labcorp
Classification: Pathogenic for Hereditary breast ovarian cancer syndrome. Last evaluated: 2023-01-24. Review status: criteria provided, single submitter. Criteria: Invitae Variant Classification Sherloc (09022015). Collection method: clinical testing. Allele origin: germline.
Comment: This sequence change creates a premature translational stop signal (p.Gln684*) in the BRCA2 gene. It is expected to result in an absent or disrupted protein product. Loss-of-function variants in BRCA2 are known to be pathogenic (PMID: 20104584). This variant is not present in population databases (gnomAD no frequency). For these reasons, this variant has been classified as Pathogenic. This premature translational stop signal has been observed in individual(s) with breast and/or ovarian cancer (PMID: 27376475, 34026625).

Neuberg Centre For Genomic Medicine, NCGM
Classification: Likely pathogenic for Breast-ovarian cancer, familial, susceptibility to, 2. Review status: criteria provided, single submitter. Criteria: ACMG Guidelines, 2015. Collection method: clinical testing. Allele origin: germline. Inheritance: Autosomal dominant inheritance. Affected: yes.
Comment: The stop gained variant c.2050C>T (p.Gln684Ter) in BRCA2 gene has not been reported previously as a pathogenic variant nor as a benign variant, to our knowledge. The p.Gln684Ter variant is novel (not in any individuals) in gnomAD exomes and is novel (not in any individuals) in 1000 Genomes. This variant has not been reported to the ClinVar database. The nucleotide change c.2050C>T in BRCA2 is predicted as conserved by GERP++ and PhyloP across 100 vertebrates. This variant is predicted to cause loss of normal protein function through protein truncation. Loss of function variants have been previously reported to be disease causing. For these reasons, this variant has been classified as Likely Pathogenic.

Literature cited by the submitters: PubMed 20104584 (cited by Labcorp Genetics (formerly Invitae), Labcorp); PubMed 27376475 (cited by Labcorp Genetics (formerly Invitae), Labcorp); PubMed 34026625 (cited by Labcorp Genetics (formerly Invitae), Labcorp).